The following is an entry in ClinVar:

NM_007294.4(BRCA1):c.175T>A (p.Ser59Thr)

Gene: BRCA1 (BRCA1 DNA repair associated; minus strand). Cytogenetic location: 17q21.31.
Variant type: single nucleotide variant.
Coding change: c.175T>A on transcript NM_007294.4 (MANE Select); coding-DNA position 175, T replaced by A.
Protein change: p.Ser59Thr; replaces serine 59 with threonine.
Molecular consequence: missense variant. On other transcripts: non-coding transcript variant (1).
Genome position (GRCh38, 1-based): chr17:43,106,493, A>T on the plus strand (T>A on the coding strand, the complement: BRCA1 is on the minus strand). VCF-style: chr17-43106493-A-T. GRCh37 (hg19) VCF-style: chr17-41258510-A-T.
Other names: c.34T>A, p.Ser12Thr (NM_001408457.1, NM_001408458.1, NM_001408459.1 and 99 more transcripts); c.175T>A, p.Ser59Thr (NM_001408472.1, NM_001408473.1, NM_001408494.1 and 168 more transcripts); c.-14T>A (NM_001408478.1, NM_001408479.1, NM_001408480.1 and 58 more transcripts); short protein forms S12T, S59T.
Identifiers: ClinVar variation 865223 (VCV000865223.3), dbSNP rs2054783250, ClinGen allele CA10601810.

Conditions:
Breast-ovarian cancer, familial, susceptibility to, 1 (BROVCA1). Also called: BRCA1 Hereditary Breast and Ovarian Cancer; OVARIAN CANCER, SUSCEPTIBILITY TO. Identifiers: Orphanet 145, MedGen C2676676, MONDO:0011450, OMIM 604370. Disease mechanism: loss of function.

Submission:

Brotman Baty Institute, University of Washington
No classification provided (evidence only). Condition: Breast-ovarian cancer, familial 1. Review status: no classification provided. Collection method: in vitro. Allele origin: not applicable. Functional consequence: functionally_normal.
ClinVar note: "not provided" was previously submitted as the classification for the variant. However, the classification appeared to be based only on an observation of functional data so it was converted to no classification on 2025-07-30.